The following is an entry in ClinVar:

NM_001267550.2(TTN):c.57052T>G (p.Ser19018Ala)

Genes: TTN (titin; minus strand), TTN-AS1 (TTN antisense RNA 1; plus strand). Cytogenetic location: 2q31.2.
Variant type: single nucleotide variant.
Coding change: c.57052T>G on transcript NM_001267550.2 (MANE Select); coding-DNA position 57052, T replaced by G.
Protein change: p.Ser19018Ala; replaces serine 19018 with alanine.
Molecular consequence: missense variant. On other transcripts: non-coding transcript variant (1).
Genome position (GRCh38, 1-based): chr2:178,598,565, A>C on the plus strand (T>G on the coding strand, the complement: TTN is on the minus strand). VCF-style: chr2-178598565-A-C. GRCh37 (hg19) VCF-style: chr2-179463292-A-C.
Other names: c.52129T>G, p.Ser17377Ala (NM_001256850.1); c.29857T>G, p.Ser9953Ala (NM_003319.4); c.49348T>G, p.Ser16450Ala (NM_133378.4); c.30232T>G, p.Ser10078Ala (NM_133432.3); c.30433T>G, p.Ser10145Ala (NM_133437.4); short protein forms S19018A, S10145A, S9953A, S16450A, S17377A, S10078A.
Identifiers: ClinVar variation 1798425 (VCV001798425.15), dbSNP rs367822879, ClinGen allele CA1993118.

ClinVar aggregate classification (germline): Uncertain significance. Review status: criteria provided, multiple submitters, no conflicts (2 of 4 stars). 2 submissions from 2 submitters: Uncertain significance (2). Last evaluated 2025-01-01.

Conditions:
Cardiovascular phenotype. Identifiers: MedGen CN230736.

Allele frequency attached by ClinVar (database versions not stated): gnomAD 0.00001; TOPMed 0.00002; ExAC 0.00003; ESP Exome Variant Server 0.00017.
gnomAD v4.1: 16 of 1,607,900 alleles (0.001%); highest among the groups gnomAD compares: Middle Eastern, 0.049%; no homozygotes.

Submissions (2):

CeGaT Center for Human Genetics Tuebingen
Classification: Uncertain significance. Last evaluated: 2025-01-01. Review status: criteria provided, single submitter. Criteria: CeGaT Center For Human Genetics Tuebingen Variant Classification Criteria Version 2. Collection method: clinical testing. Allele origin: germline. Affected: yes. Observed: 1 variant allele.
Comment: TTN: PM2, BP4

Ambry Genetics
Classification: Uncertain significance for Cardiovascular phenotype. Last evaluated: 2020-08-12. Review status: criteria provided, single submitter. Criteria: Ambry Variant Classification Scheme 2023. Collection method: clinical testing. Allele origin: germline.
Comment: The p.S9953A variant (also known as c.29857T>G), located in coding exon 119 of the TTN gene, results from a T to G substitution at nucleotide position 29857. The serine at codon 9953 is replaced by alanine, an amino acid with similar properties. This amino acid position is highly conserved in available vertebrate species. In addition, this alteration is predicted to be tolerated by in silico analysis. Since supporting evidence is limited at this time, the clinical significance of this alteration remains unclear.